The following is an entry in ClinVar:

NM_020937.4(FANCM):c.4459T>G (p.Cys1487Gly)

Gene: FANCM (FA complementation group M; plus strand). Cytogenetic location: 14q21.2.
Variant type: single nucleotide variant.
Coding change: c.4459T>G on transcript NM_020937.4 (MANE Select); coding-DNA position 4459, T replaced by G.
Protein change: p.Cys1487Gly; replaces cysteine 1487 with glycine.
Molecular consequence: missense variant.
Genome position (GRCh38, 1-based): chr14:45,183,846, T>G. VCF-style: chr14-45183846-T-G. GRCh37 (hg19) VCF-style: chr14-45653049-T-G.
Other names: c.4381T>G, p.Cys1461Gly (NM_001308133.2); short protein forms C1461G, C1487G.
Identifiers: ClinVar variation 4619545 (VCV004619545.1).

ClinVar aggregate classification (germline): Uncertain significance (1 of 4 stars; one submission).

Conditions:
Inborn genetic diseases. Identifiers: MedGen C0950123, MeSH D030342.

Submission:

Ambry Genetics
Classification: Uncertain significance for Inborn genetic diseases. Last evaluated: 2025-10-31. Review status: criteria provided, single submitter. Criteria: Ambry Variant Classification Scheme 2023. Collection method: clinical testing. Allele origin: germline.
Comment: The p.C1487G variant (also known as c.4459T>G), located in coding exon 17 of the FANCM gene, results from a T to G substitution at nucleotide position 4459. The cysteine at codon 1487 is replaced by glycine, an amino acid with highly dissimilar properties. This amino acid position is conserved. In addition, this alteration is predicted to be tolerated by in silico analysis. Based on the available evidence, the clinical significance of this variant remains unclear.